The following is an entry in ClinVar:

ClinVar aggregate classification (germline): Conflicting classifications of pathogenicity. Review status: criteria provided, conflicting classifications (1 of 4 stars). 2 submissions from 2 submitters: Uncertain significance (1); Likely benign (1). Last evaluated 2022-12-06.

Allele frequency attached by ClinVar (database versions not stated): gnomAD exomes below 0.00001 and 0.00001; ExAC 0.00002; gnomAD 0.00002; TOPMed 0.00002.
gnomAD v4.1: 12 of 1,611,504 alleles (0.00074%); highest among the groups gnomAD compares: African/African-American, 0.0013%; no homozygotes.

Submissions (3):

Labcorp Genetics (formerly Invitae), Labcorp
Classification: Uncertain significance. Last evaluated: 2022-12-06. Review status: criteria provided, single submitter. Criteria: Invitae Variant Classification Sherloc (09022015). Collection method: clinical testing. Allele origin: germline.
Comment: In summary, the available evidence is currently insufficient to determine the role of this variant in disease. Therefore, it has been classified as a Variant of Uncertain Significance. Algorithms developed to predict the effect of sequence changes on RNA splicing suggest that this variant may create or strengthen a splice site. ClinVar contains an entry for this variant (Variation ID: 1468889). This variant has not been reported in the literature in individuals affected with COL11A1-related conditions. This variant is present in population databases (rs760018604, gnomAD 0.007%). This sequence change falls in intron 62 of the COL11A1 gene. It does not directly change the encoded amino acid sequence of the COL11A1 protein.

Blueprint Genetics
Classification: Likely benign. Last evaluated: 2022-10-11. Review status: criteria provided, single submitter. Criteria: ACMG Guidelines, 2015. Collection method: clinical testing. Allele origin: germline.

Dr. Peter K. Rogan Lab, Western University
No classification provided (evidence only). Condition: Familial cancer of breast. Review status: no classification provided. Collection method: in vitro. Allele origin: not applicable. Functional consequence: retained intron. Not counted in ClinVar's aggregate classification.

NM_001854.4(COL11A1):c.4608+7A>G

Gene: COL11A1 (collagen type XI alpha 1 chain; minus strand). Cytogenetic location: 1p21.1.
Variant type: single nucleotide variant.
Coding change: c.4608+7A>G on transcript NM_001854.4 (MANE Select); 7 bases into the intron after coding-DNA position 4608, A replaced by G.
Molecular consequence: intron variant.
Genome position (GRCh38, 1-based): chr1:102,888,570, T>C on the plus strand (A>G on the coding strand, the complement: COL11A1 is on the minus strand). VCF-style: chr1-102888570-T-C. GRCh37 (hg19) VCF-style: chr1-103354126-T-C.
Other names: c.4491+7A>G (NM_001190709.2); c.4644+7A>G (NM_080629.3); c.4260+7A>G (NM_080630.4).
Identifiers: ClinVar variation 1468889 (VCV001468889.8), dbSNP rs760018604, ClinGen allele CA973469.